The following is an entry in ClinVar:

NM_000135.4(FANCA):c.2341G>T (p.Val781Leu)

Gene: FANCA (FA complementation group A; minus strand). Cytogenetic location: 16q24.3.
Variant type: single nucleotide variant.
Coding change: c.2341G>T on transcript NM_000135.4 (MANE Select); coding-DNA position 2341, G replaced by T.
Protein change: p.Val781Leu; replaces valine 781 with leucine.
Molecular consequence: missense variant.
Genome position (GRCh38, 1-based): chr16:89,770,000, C>A on the plus strand (G>T on the coding strand, the complement: FANCA is on the minus strand). VCF-style: chr16-89770000-C-A. GRCh37 (hg19) VCF-style: chr16-89836408-C-A.
Other names: c.2341G>T, p.Val781Leu (NM_001286167.3); short protein forms V781L.
Identifiers: ClinVar variation 838231 (VCV000838231.10), dbSNP rs1246628258, ClinGen allele CA397444470.

ClinVar aggregate classification (germline): Uncertain significance. Review status: criteria provided, multiple submitters, no conflicts (2 of 4 stars). 2 submissions from 2 submitters: Uncertain significance (2). Last evaluated 2024-12-26.

Conditions:
Fanconi anemia (FA). Also called: Fanconi's anemia. Identifiers: Orphanet 84, MedGen C0015625, MeSH D005199, MONDO:0019391.
Inborn genetic diseases. Identifiers: MedGen C0950123, MeSH D030342.

Allele frequency attached by ClinVar (database versions not stated): gnomAD exomes below 0.00001.
gnomAD v4.1: 8 of 1,613,876 alleles (0.0005%); highest among the groups gnomAD compares: Non-Finnish European, 0.00068%; no homozygotes.

Submissions (2):

Ambry Genetics
Classification: Uncertain significance for Inborn genetic diseases. Last evaluated: 2024-12-26. Review status: criteria provided, single submitter. Criteria: Ambry Variant Classification Scheme 2023. Collection method: clinical testing. Allele origin: germline.
Comment: The p.V781L variant (also known as c.2341G>T), located in coding exon 26 of the FANCA gene, results from a G to T substitution at nucleotide position 2341. The valine at codon 781 is replaced by leucine, an amino acid with highly similar properties. This amino acid position is conserved. In addition, this alteration is predicted to be tolerated by in silico analysis. Based on the available evidence, the clinical significance of this variant remains unclear.

Labcorp Genetics (formerly Invitae), Labcorp
Classification: Uncertain significance for Fanconi anemia. Last evaluated: 2019-05-02. Review status: criteria provided, single submitter. Criteria: Invitae Variant Classification Sherloc (09022015). Collection method: clinical testing. Allele origin: germline.
Comment: This sequence change replaces valine with leucine at codon 781 of the FANCA protein (p.Val781Leu). The valine residue is weakly conserved and there is a small physicochemical difference between valine and leucine. This variant is not present in population databases (ExAC no frequency). This variant has not been reported in the literature in individuals with FANCA-related conditions. Algorithms developed to predict the effect of missense changes on protein structure and function output the following: SIFT: "Tolerated"; PolyPhen-2: "Benign"; Align-GVGD: "Class C0". The leucine amino acid residue is found in multiple mammalian species, suggesting that this missense change does not adversely affect protein function. These predictions have not been confirmed by published functional studies and their clinical significance is uncertain. In summary, the available evidence is currently insufficient to determine the role of this variant in disease. Therefore, it has been classified as a Variant of Uncertain Significance.